The following is an entry in ClinVar:

NM_004958.4(MTOR):c.1732G>A (p.Asp578Asn)

Gene: MTOR (mechanistic target of rapamycin kinase; minus strand). Cytogenetic location: 1p36.22.
Variant type: single nucleotide variant.
Coding change: c.1732G>A on transcript NM_004958.4 (MANE Select); coding-DNA position 1732, G replaced by A.
Protein change: p.Asp578Asn; replaces aspartic acid 578 with asparagine.
Molecular consequence: missense variant.
Genome position (GRCh38, 1-based): chr1:11,240,357, C>T on the plus strand (G>A on the coding strand, the complement: MTOR is on the minus strand). VCF-style: chr1-11240357-C-T. GRCh37 (hg19) VCF-style: chr1-11300414-C-T.
Other names: short protein forms D578N.
Identifiers: ClinVar variation 936755 (VCV000936755.10), dbSNP rs760445750, ClinGen allele CA590656.

ClinVar aggregate classification (germline): Uncertain significance. Review status: criteria provided, multiple submitters, no conflicts (2 of 4 stars). 2 submissions from 2 submitters: Uncertain significance (2). Last evaluated 2026-08-01.

Allele frequency attached by ClinVar (database versions not stated): gnomAD exomes below 0.00001 and 0.00001; TOPMed below 0.00001; ExAC 0.00001.
gnomAD v4.1: 7 of 1,611,228 alleles (0.00043%); highest among the groups gnomAD compares: South Asian, 0.0011%; no homozygotes.

Submissions (2):

CeGaT Center for Human Genetics Tuebingen
Classification: Uncertain significance. Last evaluated: 2026-08-01. Review status: criteria provided, single submitter. Criteria: CeGaT Center For Human Genetics Tuebingen Variant Classification Criteria Version 2. Collection method: clinical testing. Allele origin: germline. Affected: yes. Observed: 1 variant allele.
Comment: MTOR: PM2

Labcorp Genetics (formerly Invitae), Labcorp
Classification: Uncertain significance. Last evaluated: 2025-08-23. Review status: criteria provided, single submitter. Criteria: Invitae Variant Classification Sherloc (09022015). Collection method: clinical testing. Allele origin: germline.
Comment: This sequence change replaces aspartic acid, which is acidic and polar, with asparagine, which is neutral and polar, at codon 578 of the MTOR protein (p.Asp578Asn). This variant is present in population databases (rs760445750, gnomAD 0.003%). This variant has not been reported in the literature in individuals affected with MTOR-related conditions. ClinVar contains an entry for this variant (Variation ID: 936755). Invitae Evidence Modeling of protein sequence and biophysical properties (such as structural, functional, and spatial information, amino acid conservation, physicochemical variation, residue mobility, and thermodynamic stability) indicates that this missense variant is not expected to disrupt MTOR protein function with a negative predictive value of 95%. In summary, the available evidence is currently insufficient to determine the role of this variant in disease. Therefore, it has been classified as a Variant of Uncertain Significance.